The following is an entry in ClinVar:

ClinVar aggregate classification (germline): Uncertain significance (1 of 4 stars; one submission).

Allele frequency attached by ClinVar (database versions not stated): gnomAD 0.00001.
gnomAD v4.1: 1 of 1,609,046 alleles (0.000062%); highest among the groups gnomAD compares: Admixed American, 0.0017%; no homozygotes.

Submission:

Labcorp Genetics (formerly Invitae), Labcorp
Classification: Uncertain significance. Last evaluated: 2021-09-17. Review status: criteria provided, single submitter. Criteria: Invitae Variant Classification Sherloc (09022015). Collection method: clinical testing. Allele origin: germline.
Comment: This sequence change replaces proline with threonine at codon 729 of the COL4A3 protein (p.Pro729Thr). The proline residue is highly conserved and there is a small physicochemical difference between proline and threonine. This variant is not present in population databases (ExAC no frequency). This variant has not been reported in the literature in individuals with COL4A3-related conditions. Advanced modeling of protein sequence and biophysical properties (such as structural, functional, and spatial information, amino acid conservation, physicochemical variation, residue mobility, and thermodynamic stability) performed at Invitae indicates that this missense variant is not expected to disrupt COL4A3 protein function. In summary, the available evidence is currently insufficient to determine the role of this variant in disease. Therefore, it has been classified as a Variant of Uncertain Significance.

NM_000091.5(COL4A3):c.2185C>A (p.Pro729Thr)

Genes: MFF-DT (MFF divergent transcript; minus strand), COL4A3 (collagen type IV alpha 3 chain; plus strand). Cytogenetic location: 2q36.3.
Variant type: single nucleotide variant.
Coding change: c.2185C>A on transcript NM_000091.5 (MANE Select); coding-DNA position 2185, C replaced by A.
Protein change: p.Pro729Thr; replaces proline 729 with threonine.
Molecular consequence: missense variant.
Genome position (GRCh38, 1-based): chr2:227,279,852, C>A. VCF-style: chr2-227279852-C-A. GRCh37 (hg19) VCF-style: chr2-228144568-C-A.
Other names: short protein forms P729T.
Identifiers: ClinVar variation 1517308 (VCV001517308.5), dbSNP rs2071837772, ClinGen allele CA350847764.